The following is an entry in ClinVar:

NC_012920.1(MT-CO1):m.7080T>C

Gene: MT-CO1 (mitochondrially encoded cytochrome c oxidase I; plus strand).
Variant type: single nucleotide variant.
Genome position: chrM-7080-T-C.
Identifiers: ClinVar variation 692697 (VCV000692697.1), dbSNP rs1556423226, ClinGen allele CA414791094.

ClinVar aggregate classification (germline): Benign (1 of 4 stars; one submission).

Conditions:
Leigh syndrome (NULS). Also called: Leigh's necrotizing encephalopathy; Leigh's disease; Leigh Syndrome (mtDNA deletion); Leigh Disease; Subacute necrotizing encephalopathy; Necrotizing encephalopathy infantile subacute of Leigh. Identifiers: Orphanet 506, MedGen C2931891, MONDO:0009723, OMIM 256000.

Submission:

Wong Mito Lab, Molecular and Human Genetics, Baylor College of Medicine
Classification: Benign for Leigh syndrome. Last evaluated: 2019-10-17. Review status: criteria provided, single submitter. Criteria: Modified ACMG Guidelines (Unpublished). Collection method: clinical testing. Allele origin: germline.
Comment: The NC_012920.1:m.7080T>C (YP_003024028.1:p.Phe393Leu) variant in MTCO1 gene is interpretated to be a Benign variant based on the modified ACMG guidelines (unpublished). This variant meets the following evidence codes: BS1, BS2